The following is an entry in ClinVar:

ClinVar aggregate classification (germline): Uncertain significance (1 of 4 stars; one submission).

Conditions:
Progressive myoclonic epilepsy. Also called: Familial progressive myoclonic epilepsy; Myoclonic Epilepsies, Progressive; Myoclonus epilepsy; Progressive myoclonus epilepsy. Identifiers: Orphanet 308, Orphanet 98261, MedGen C0751778, MONDO:0020074.

Allele frequency attached by ClinVar (database versions not stated): ExAC 0.00001.

Submission:

Labcorp Genetics (formerly Invitae), Labcorp
Classification: Uncertain significance for Progressive myoclonic epilepsy. Last evaluated: 2021-12-27. Review status: criteria provided, single submitter. Criteria: Invitae Variant Classification Sherloc (09022015). Collection method: clinical testing. Allele origin: germline.
Comment: In summary, the available evidence is currently insufficient to determine the role of this variant in disease. Therefore, it has been classified as a Variant of Uncertain Significance. Algorithms developed to predict the effect of missense changes on protein structure and function are either unavailable or do not agree on the potential impact of this missense change (SIFT: "Deleterious"; PolyPhen-2: "Benign"; Align-GVGD: "Class C35"). This variant has not been reported in the literature in individuals affected with CSTB-related conditions. This variant is not present in population databases (gnomAD no frequency). This sequence change replaces glutamine, which is neutral and polar, with arginine, which is basic and polar, at codon 46 of the CSTB protein (p.Gln46Arg).

NM_000100.4(CSTB):c.137A>G (p.Gln46Arg)

Gene: CSTB (cystatin B; minus strand). Cytogenetic location: 21q22.3.
Variant type: single nucleotide variant.
Coding change: c.137A>G on transcript NM_000100.4 (MANE Select); coding-DNA position 137, A replaced by G.
Protein change: p.Gln46Arg; replaces glutamine 46 with arginine.
Molecular consequence: missense variant.
Genome position (GRCh38, 1-based): chr21:43,774,689, T>C on the plus strand (A>G on the coding strand, the complement: CSTB is on the minus strand). VCF-style: chr21-43774689-T-C. GRCh37 (hg19) VCF-style: chr21-45194570-T-C.
Other names: short protein forms Q46R.
Identifiers: ClinVar variation 2062609 (VCV002062609.2), dbSNP rs745678958, ClinGen allele CA10048933.
Genomic context (GRCh38, chr21:43,774,689, plus strand): 5'-GGCAGGCCCTCCTGAGGCCCACACTCTACCTTGATGAAGTAGTTTGTCCCCGCGACCACC[T>C]GGCTCTTGAATGACACGGCCTTAAACACAGGGAACTTCTTGTTTTCTTTCTCTTCAAGCT-3'
Protein context (NP_000091.1, residues 36-56): PVFKAVSFKS[Gln46Arg]VVAGTNYFIK